The following is an entry in ClinVar:

ClinVar aggregate classification (germline): Conflicting classifications of pathogenicity. Review status: criteria provided, conflicting classifications (1 of 4 stars). 11 submissions from 11 submitters: Uncertain significance (7); Benign (1); Likely benign (2). 1 of the submissions does not count toward it. Last evaluated 2025-11-22.

Conditions:
Hereditary nonpolyposis colorectal neoplasms. Identifiers: MedGen C0009405, MeSH D003123.
Hereditary cancer-predisposing syndrome. Also called: Tumor predisposition; Hereditary neoplastic syndrome; Hereditary Cancer Syndrome; Neoplastic Syndromes, Hereditary. Identifiers: Orphanet 140162, MedGen C0027672, MeSH D009386, MONDO:0015356.
Lynch syndrome. Identifiers: Orphanet 144, MedGen C4552100, MONDO:0005835. Disease mechanism: loss of function.

Allele frequency attached by ClinVar (database versions not stated): gnomAD 0.00001; gnomAD exomes 0.00004 and 0.00007; ExAC 0.00007.
gnomAD v4.1: 56 of 1,603,160 alleles (0.0035%); highest among the groups gnomAD compares: South Asian, 0.059%; 1 homozygote.

Submissions (11):

Labcorp Genetics (formerly Invitae), Labcorp
Classification: Benign for Hereditary nonpolyposis colorectal neoplasms. Last evaluated: 2025-11-22. Review status: criteria provided, single submitter. Criteria: Invitae Variant Classification Sherloc (09022015). Collection method: clinical testing. Allele origin: germline.

Center for Genomic Medicine, Rigshospitalet, Copenhagen University Hospital
Classification: Uncertain significance. Last evaluated: 2025-03-04. Review status: criteria provided, single submitter. Criteria: ACMG Guidelines, 2015. Collection method: clinical testing. Allele origin: germline.

Quest Diagnostics Nichols Institute San Juan Capistrano
Classification: Uncertain significance. Last evaluated: 2025-02-21. Review status: criteria provided, single submitter. Criteria: Quest Diagnostics criteria. Collection method: clinical testing. Allele origin: unknown.
Comment: The PMS2 c.230A>C (p.Glu77Ala) variant has been reported in the published literature in individuals with breast cancer (PMID: 36200007 (2022), 33471991 (2021), see also LOVD), unspecific pediatric cancer (PMID: 30455982 (2018)), and pediatric leukemia (PMID: 36900028 (2023)). The frequency of this variant in the general population (Genome Aggregation Database) is higher than would generally be expected for pathogenic variants in this gene. Analysis of this variant using bioinformatics tools for the prediction of the effect of amino acid changes on protein structure and function yielded conflicting predictions that this variant is benign or damaging. Based on the available information, we are unable to determine the clinical significance of this variant.

Institute for Biomarker Research, Medical Diagnostic Laboratories, L.L.C.
Classification: Uncertain significance for Hereditary cancer-predisposing syndrome. Last evaluated: 2025-01-03. Review status: criteria provided, single submitter. Criteria: ACMG Guidelines, 2015. Collection method: clinical testing. Allele origin: germline.
Comment: The missense variant NM_001322014.2(PMS2):c.230A>C (p.Glu77Ala) has not been reported previously as a pathogenic variant, to our knowledge. There is a moderate physicochemical difference between glutamic acid and alanine. 4 variants within 6 amino acid positions of the variant p.Glu77Ala have been shown to be pathogenic, while none have been shown to be benign. For these reasons, this variant has been classified as Uncertain Significance.

CeGaT Center for Human Genetics Tuebingen
Classification: Likely benign. Last evaluated: 2024-10-01. Review status: criteria provided, single submitter. Criteria: CeGaT Center For Human Genetics Tuebingen Variant Classification Criteria Version 2. Collection method: clinical testing. Allele origin: germline. Affected: yes. Observed: 2 variant alleles.
Comment: PMS2: BP1, BP4

GeneDx
Classification: Uncertain significance. Last evaluated: 2023-12-29. Review status: criteria provided, single submitter. Criteria: GeneDx Variant Classification Process June 2021. Collection method: clinical testing. Allele origin: germline. Affected: yes.
Comment: In silico analysis supports that this missense variant has a deleterious effect on protein structure/function; Observed in a pediatric cancer patient and in individuals with breast cancer (PMID: 30455982, 33471991, 36200007); This variant is associated with the following publications: (PMID: 12606120, 11574484, 33471991, 36200007, 30455982)

All of Us Research Program, National Institutes of Health
Classification: Uncertain significance for Lynch syndrome. Last evaluated: 2023-10-06. Review status: criteria provided, single submitter. Criteria: ACMG Guidelines, 2015. Collection method: clinical testing. Allele origin: germline. Inheritance: Autosomal dominant inheritance. Observed: 2 variant alleles, 2 heterozygotes.
Comment: This missense variant replaces glutamic acid with alanine at codon 77 of the PMS2 protein. Computational prediction suggests that this variant may have deleterious impact on protein structure and function (internally defined REVEL score threshold >= 0.7, PMID: 27666373). Splice site prediction tools suggest that this variant may not impact RNA splicing. To our knowledge, functional studies have not been performed for this variant. This variant has not been reported in individuals affected with hereditary cancer in the literature. This variant has been identified in 17/250862 chromosomes in the general population by the Genome Aggregation Database (gnomAD). The available evidence is insufficient to determine the role of this variant in disease conclusively. Therefore, this variant is classified as a Variant of Uncertain Significance.

This study involves interpretation of variants in research participants for the purpose of population health screening. Participant phenotype was not available at the time of variant classification. Additional details can be found in publication PMID: 35346344, PMCID: PMC8962531

Color Diagnostics, LLC DBA Color Health
Classification: Uncertain significance for Hereditary cancer-predisposing syndrome. Last evaluated: 2023-09-13. Review status: criteria provided, single submitter. Criteria: ACMG Guidelines, 2015. Collection method: clinical testing. Allele origin: germline.
Comment: This missense variant replaces glutamic acid with alanine at codon 77 of the PMS2 protein. Computational prediction suggests that this variant may have deleterious impact on protein structure and function (internally defined REVEL score threshold >= 0.7, PMID: 27666373). To our knowledge, functional studies have not been reported for this variant. This variant has been observed in individuals affected with breast cancer (PMID: 33471991, 36200007), and in an individual affected with an unspecified childhood tumor (PMID: 30455982). This variant has been identified in 17/250862 chromosomes in the general population by the Genome Aggregation Database (gnomAD). The available evidence is insufficient to determine the role of this variant in disease conclusively. Therefore, this variant is classified as a Variant of Uncertain Significance.

Sema4
Classification: Uncertain significance for Hereditary cancer-predisposing syndrome. Last evaluated: 2022-02-21. Review status: criteria provided, single submitter. Criteria: Sema4 Curation Guidelines. Collection method: curation. Allele origin: germline.
Comment: The PMS2 c.230A>C (p.E77A) variant has been reported in at least one individual with unspecified cancer (PMID: 30455982). It has been reported in a large case-control study in 1/60466 breast cancer cases and 0/53461 controls (PMID: 33471991). This variant was observed in 17/30614 chromosomes in the South Asian population, with one homozygote, according to the Genome Aggregation Database (PMID: 32461654). This variant has been reported in ClinVar (Variation ID: 411085). In silico tools suggest the impact of the variant on protein function is deleterious, though these predictions have not been confirmed by functional studies. The evidence is insufficient to meet ACMG/AMP criteria for classifying the variant as benign or pathogenic. Thus, the clinical significance of this variant is currently uncertain.

Ambry Genetics
Classification: Likely benign for Hereditary cancer-predisposing syndrome. Last evaluated: 2021-07-01. Review status: criteria provided, single submitter. Criteria: Ambry Variant Classification Scheme 2023. Collection method: clinical testing. Allele origin: germline.

Department of Pathology and Laboratory Medicine, Sinai Health System
Classification: Uncertain significance. Review status: no assertion criteria provided. Collection method: clinical testing. Allele origin: unknown. Affected: yes. Study: The Canadian Open Genetics Repository (COGR). Not counted in ClinVar's aggregate classification.
Comment: The PMS2 p.Glu77Ala variant was not identified in the literature nor was it identified in the COGR, Cosmic, MutDB, Insight Colon Cancer Gene Variant, Zhejiang Colon Cancer, Mismatch Repair Genes Variant or Insight Hereditary Tumors databases. The variant was identified in dbSNP (ID: rs777095030) as with uncertain significance allele, and in the ClinVar database as uncertain significance by Invitae and GeneDx. The variant was identified in control databases in 17 of 245846 chromosomes (1 homozygous) at a frequency of 0.00007 (Genome Aggregation Database Feb 27, 2017). It was observed in the South Asian population in 17 of 30782 chromosomes (freq: 0.0006); but not in the African, Other, Latino, European Non-Finnish, Ashkenazi Jewish, East Asian, European Finnish, populations. The p.Glu77 residue is not conserved in mammals and computational analyses (PolyPhen-2, SIFT, AlignGVGD, BLOSUM, MutationTaster) provide inconsistent predictions regarding the impact to the protein; this information is not very predictive of pathogenicity. The variant occurs outside of the splicing consensus sequence and in silico or computational prediction software programs (SpliceSiteFinder, MaxEntScan, NNSPLICE, GeneSplicer, HumanSpliceFinder) do not predict a difference in splicing. In summary, based on the above information the clinical significance of this variant cannot be determined with certainty at this time. This variant is classified as a variant of uncertain significance.

Literature cited by the submitters: PubMed 33471991 (cited by 3 submitters); PubMed 36200007 (cited by Quest Diagnostics Nichols Institute San Juan Capistrano and Color Diagnostics, LLC DBA Color Health); PubMed 30455982 (cited by 3 submitters); PubMed 36900028 (cited by Quest Diagnostics Nichols Institute San Juan Capistrano).

NM_000535.7(PMS2):c.230A>C (p.Glu77Ala)

Gene: PMS2 (PMS1 homolog 2, mismatch repair system component; minus strand). Cytogenetic location: 7p22.1.
Variant type: single nucleotide variant.
Coding change: c.230A>C on transcript NM_000535.7 (MANE Select); coding-DNA position 230, A replaced by C.
Protein change: p.Glu77Ala; replaces glutamic acid 77 with alanine.
Molecular consequence: missense variant. On other transcripts: 5 prime UTR variant (9), non-coding transcript variant (1).
Genome position (GRCh38, 1-based): chr7:6,003,992, T>G on the plus strand (A>C on the coding strand, the complement: PMS2 is on the minus strand). VCF-style: chr7-6003992-T-G. GRCh37 (hg19) VCF-style: chr7-6043623-T-G.
Other names: c.-176A>C (NM_001322003.2, NM_001322004.2, NM_001322005.2 and 3 more transcripts); c.230A>C, p.Glu77Ala (NM_001322006.2, NM_001322014.2); c.15A>C, p.Arg5Ser (NM_001322007.2, NM_001322008.2); c.-655A>C (NM_001322011.2, NM_001322012.2); c.-255A>C (NM_001322015.2); short protein forms E77A, R5S.
Identifiers: ClinVar variation 411085 (VCV000411085.59), dbSNP rs777095030, ClinGen allele CA047490.
Genomic context (GRCh38, chr7:6,003,992, plus strand): 5'-CCCAATTATTTTATAATAGGATTAGAAAAAGTCAACTTACTTAAGCCTTCGAAGTTTTCT[T>G]CTTCTACCCCACATCCATTGTCTGAAACTTCAATAAGATCCACTCCATAGTCCTTAAGCT-3'
Protein context (NP_000526.2, residues 67-87): EVSDNGCGVE[Glu77Ala]ENFEGLTLKH